The following is an entry in ClinVar:

ClinVar aggregate classification (germline): Conflicting classifications of pathogenicity. Review status: criteria provided, conflicting classifications (1 of 4 stars). 2 submissions from 2 submitters: Uncertain significance (1); Benign (1). Last evaluated 2026-05-27.

Conditions:
Nicolaides-Baraitser syndrome (NCBRS). Also called: SMARCA2-Related Nicolaides-Baraitser Syndrome; Intellectual disability-sparse hair-brachydactyly syndrome. Identifiers: Orphanet 3051, MedGen C1303073, MONDO:0011053, OMIM 601358.

Allele frequency attached by ClinVar (database versions not stated): gnomAD 0.00001 and 0.00003; gnomAD exomes 0.00001; ExAC 0.00002; 1000 Genomes Project 0.00060; 1000 Genomes Project 30x 0.00078.
gnomAD v4.1: 6 of 1,614,176 alleles (0.00037%); highest among the groups gnomAD compares: African/African-American, 0.0027%; no homozygotes.

Submissions (2):

GeneDx
Classification: Uncertain significance. Last evaluated: 2026-05-27. Review status: criteria provided, single submitter. Criteria: GeneDx Variant Classification Process June 2021. Collection method: clinical testing. Allele origin: germline.
Comment: In silico analysis supports that this missense variant has a deleterious effect on protein structure/function; Has not been previously published as pathogenic or benign to our knowledge

Illumina Laboratory Services, Illumina
Classification: Benign for Nicolaides-Baraitser syndrome. Last evaluated: 2018-01-13. Review status: criteria provided, single submitter. Criteria: ICSL Variant Classification Criteria 13 December 2019. Collection method: clinical testing. Allele origin: germline.
Comment: This variant was observed in the ICSL laboratory as part of a predisposition screen in an ostensibly healthy population. It had not been previously curated by ICSL or reported in the Human Gene Mutation Database (HGMD: prior to June 1st, 2018), and was therefore a candidate for classification through an automated scoring system. Utilizing variant allele frequency, disease prevalence and penetrance estimates, and inheritance mode, an automated score was calculated to assess if this variant is too frequent to cause the disease. Based on the score and internal cut-off values, a variant classified as benign is not then subjected to further curation. The score for this variant resulted in a classification of benign for this disease.

NM_003070.5(SMARCA2):c.4679G>A (p.Arg1560Gln)

Gene: SMARCA2 (SWI/SNF related BAF chromatin remodeling complex subunit ATPase 2; plus strand). Cytogenetic location: 9p24.3.
Variant type: single nucleotide variant.
Coding change: c.4679G>A on transcript NM_003070.5 (MANE Select); coding-DNA position 4679, G replaced by A.
Protein change: p.Arg1560Gln; replaces arginine 1560 with glutamine.
Molecular consequence: missense variant.
Genome position (GRCh38, 1-based): chr9:2,191,350, G>A. VCF-style: chr9-2191350-G-A. GRCh37 (hg19) VCF-style: chr9-2191350-G-A.
Other names: c.4679G>A, p.Arg1560Gln (NM_001289396.2); c.4451G>A, p.Arg1484Gln (NM_001289397.2); c.653G>A, p.Arg218Gln (NM_001289398.2); c.737G>A, p.Arg246Gln (NM_001289399.2); c.743G>A, p.Arg248Gln (NM_001289400.2); c.4625G>A, p.Arg1542Gln (NM_139045.4); short protein forms R1560Q, R218Q, R248Q, R1484Q, R246Q, R1542Q.
Identifiers: ClinVar variation 366321 (VCV000366321.7), dbSNP rs537631853, ClinGen allele CA4964282.
Genomic context (GRCh38, chr9:2,191,350, plus strand): 5'-AGCTCAATAAAAAAGATGACAAAGGCCGGGACAAAGGGAAAGGCAAGAAAAGGCCAAATC[G>A]AGGAAAAGCCAAACCTGTAGTGAGCGATTTTGACAGCGATGAGGAGCAGGATGAACGTGT-3'
Protein context (NP_003061.3, residues 1550-1570): DKGKGKKRPN[Arg1560Gln]GKAKPVVSDF